The following is an entry in ClinVar:

NM_007294.4(BRCA1):c.3885del (p.Leu1295fs)

Genes: BRCA1 (BRCA1 DNA repair associated; minus strand), LOC126862571 (BRD4-independent group 4 enhancer GRCh37_chr17:41243136-41244335; plus strand). Cytogenetic location: 17q21.31.
Variant type: Deletion.
Coding change: c.3885del on transcript NM_007294.4 (MANE Select); coding-DNA position 3885, one base deleted (G; older notation c.3885delG).
Protein change: p.Leu1295fs; shifts the reading frame from leucine 1295.
Molecular consequence: frameshift variant. On other transcripts: intron variant (135).
Genome position (GRCh38, 1-based): chr17:43,091,646, C deleted on the plus strand (G on the coding strand, the reverse complement: BRCA1 is on the minus strand). VCF-style (leftmost placement, unchanged base first): chr17-43091645-AC-A. GRCh37 (hg19) VCF-style: chr17-41243662-AC-A.
Other names: 4003delG; c.3759del, p.Leu1253fs (NM_001407690.1, NM_001407691.1, NM_001407940.1 and 11 more transcripts); c.3744del, p.Leu1248fs (NM_001407692.1, NM_001407694.1, NM_001407695.1 and 29 more transcripts); c.3741del, p.Leu1247fs (NM_001407740.1, NM_001407741.1, NM_001407742.1 and 20 more transcripts); c.3672del, p.Leu1224fs (NM_001407853.1, NM_001407894.1, NM_001407895.1 and 9 more transcripts); c.3885del, p.Leu1295fs (NM_001407854.1, NM_001407858.1, NM_001407859.1 and 30 more transcripts); c.3882del, p.Leu1294fs (NM_001407860.1, NM_001407861.1, NM_001407587.1 and 22 more transcripts); c.3684del, p.Leu1228fs (NM_001407862.1); and 43 more; short protein forms L1248fs, L1295fs, L1127fs, L1167fs, L1184fs, L1206fs, L1183fs, L1207fs.
Identifiers: ClinVar variation 266414 (VCV000266414.6), dbSNP rs886040172, ClinGen allele CA10589717.

ClinVar aggregate classification (germline): Pathogenic. Review status: reviewed by expert panel (3 of 4 stars). 2 submissions from 2 submitters: Pathogenic (1). 1 of the submissions does not count toward it. Last evaluated 2016-10-18.

Conditions:
Breast-ovarian cancer, familial, susceptibility to, 1 (BROVCA1). Also called: BRCA1 Hereditary Breast and Ovarian Cancer; OVARIAN CANCER, SUSCEPTIBILITY TO. Identifiers: Orphanet 145, MedGen C2676676, MONDO:0011450, OMIM 604370. Disease mechanism: loss of function.

Submissions (2):

Evidence-based Network for the Interpretation of Germline Mutant Alleles (ENIGMA)
Classification: Pathogenic for Breast-ovarian cancer, familial, susceptibility to, 1. Last evaluated: 2016-10-18. Review status: reviewed by expert panel. Criteria: ENIGMA BRCA1/2 Classification Criteria (2015). Collection method: curation. Allele origin: germline.
Comment: Variant allele predicted to encode a truncated non-functional protein.

Consortium of Investigators of Modifiers of BRCA1/2 (CIMBA), c/o University of Cambridge
Classification: Pathogenic for Breast-ovarian cancer, familial, susceptibility to, 1. Last evaluated: 2015-10-02. Review status: criteria provided, single submitter. Criteria: CIMBA Mutation Classification guidelines May 2016. Collection method: clinical testing. Allele origin: germline. Not counted in ClinVar's aggregate classification.